The following is an entry in ClinVar:

NM_001367624.2(ZNF469):c.5479C>T (p.Pro1827Ser)

Gene: ZNF469 (zinc finger protein 469; plus strand). Cytogenetic location: 16q24.2.
Variant type: single nucleotide variant.
Coding change: c.5479C>T on transcript NM_001367624.2 (MANE Select); coding-DNA position 5479, C replaced by T.
Protein change: p.Pro1827Ser; replaces proline 1827 with serine.
Molecular consequence: missense variant.
Genome position (GRCh38, 1-based): chr16:88,432,949, C>T. VCF-style: chr16-88432949-C-T. GRCh37 (hg19) VCF-style: chr16-88499357-C-T.
Other names: NM_001127464.1:c.5395C>T; short protein forms P1827S.
Identifiers: ClinVar variation 3258278 (VCV003258278.1).

ClinVar aggregate classification (germline): Uncertain significance (1 of 4 stars; one submission).

Conditions:
Cardiovascular phenotype. Identifiers: MedGen CN230736.

Submission:

Ambry Genetics
Classification: Uncertain significance for Cardiovascular phenotype. Last evaluated: 2024-06-06. Review status: criteria provided, single submitter. Criteria: Ambry Variant Classification Scheme 2023. Collection method: clinical testing. Allele origin: germline.
Comment: The p.P1799S variant (also known as c.5395C>T), located in coding exon 2 of the ZNF469 gene, results from a C to T substitution at nucleotide position 5395. The proline at codon 1799 is replaced by serine, an amino acid with similar properties. This amino acid position is conserved. In addition, this alteration is predicted to be tolerated by in silico analysis. Based on the available evidence, the clinical significance of this variant remains unclear.